The following is an entry in ClinVar:

NM_000492.4(CFTR):c.745G>T (p.Asp249Tyr)

Gene: CFTR (CF transmembrane conductance regulator; plus strand). Cytogenetic location: 7q31.2.
Variant type: single nucleotide variant.
Coding change: c.745G>T on transcript NM_000492.4 (MANE Select); coding-DNA position 745, G replaced by T.
Protein change: p.Asp249Tyr; replaces aspartic acid 249 with tyrosine.
Molecular consequence: missense variant.
Genome position (GRCh38, 1-based): chr7:117,536,549, G>T. VCF-style: chr7-117536549-G-T. GRCh37 (hg19) VCF-style: chr7-117176603-G-T.
Other names: short protein forms D249Y.
Identifiers: ClinVar variation 1919713 (VCV001919713.2), dbSNP rs1798959414, ClinGen allele CA368977317.

ClinVar aggregate classification (germline): Uncertain significance (1 of 4 stars; one submission).

Conditions:
Cystic fibrosis (CF). Also called: MUCOVISCIDOSIS. Identifiers: Orphanet 586, MedGen C0010674, MONDO:0009061, OMIM 219700. Disease mechanism: loss of function.

Allele frequency attached by ClinVar (database versions not stated): gnomAD exomes below 0.00001.
gnomAD v4.1: 1 of 1,582,428 alleles (0.000063%); highest among the groups gnomAD compares: Non-Finnish European, 0.000086%; no homozygotes.

Submission:

Labcorp Genetics (formerly Invitae), Labcorp
Classification: Uncertain significance for Cystic fibrosis. Last evaluated: 2022-05-14. Review status: criteria provided, single submitter. Criteria: Invitae Variant Classification Sherloc (09022015). Collection method: clinical testing. Allele origin: germline.
Comment: This sequence change replaces aspartic acid, which is acidic and polar, with tyrosine, which is neutral and polar, at codon 249 of the CFTR protein (p.Asp249Tyr). This variant is not present in population databases (gnomAD no frequency). This missense change has been observed in individual(s) with CFTR-related conditions (PMID: 23810505). Algorithms developed to predict the effect of missense changes on protein structure and function (SIFT, PolyPhen-2, Align-GVGD) all suggest that this variant is likely to be tolerated. In summary, the available evidence is currently insufficient to determine the role of this variant in disease. Therefore, it has been classified as a Variant of Uncertain Significance.

Literature cited by the submitters: PubMed 23810505.